The following is an entry in ClinVar:

ClinVar aggregate classification (germline): Pathogenic (1 of 4 stars; one submission).

Submission:

GeneDx
Classification: Pathogenic. Last evaluated: 2025-02-06. Review status: criteria provided, single submitter. Criteria: GeneDx Variant Classification Process June 2021. Collection method: clinical testing. Allele origin: germline. Affected: yes.
Comment: Nonsense variant predicted to result in protein truncation or nonsense mediated decay in a gene for which loss of function is a known mechanism of disease; Not observed at significant frequency in large population cohorts (gnomAD); This variant is associated with the following publications: (PMID: 25525159, 11431688, 27231702, 38459225, 34101622)

NM_001368894.2(PAX6):c.805C>T (p.Gln269Ter)

Gene: PAX6 (paired box 6; minus strand). Cytogenetic location: 11p13.
Variant type: single nucleotide variant.
Coding change: c.805C>T on transcript NM_001368894.2 (MANE Select); coding-DNA position 805, C replaced by T.
Protein change: p.Gln269Ter; replaces glutamine 269 with a stop codon.
Molecular consequence: nonsense.
Genome position (GRCh38, 1-based): chr11:31,794,034, G>A on the plus strand (C>T on the coding strand, the complement: PAX6 is on the minus strand). VCF-style: chr11-31794034-G-A. GRCh37 (hg19) VCF-style: chr11-31815582-G-A.
Other names: c.355C>T, p.Gln119Ter (NM_001368908.2, NM_001368909.2, NM_001310160.2 and 11 more transcripts); c.1006C>T, p.Gln336Ter (NM_001368910.2); c.808C>T, p.Gln270Ter (NM_001368911.2); c.805C>T, p.Gln269Ter (NM_001368912.2, NM_001368913.2, NM_001368914.2 and 6 more transcripts); c.763C>T, p.Gln255Ter (NM_001368915.2, NM_001368916.2, NM_001368917.2 and 10 more transcripts); c.880C>T, p.Gln294Ter (NM_001368918.2, NM_001368919.2); c.838C>T, p.Gln280Ter (NM_001368920.2); c.604C>T, p.Gln202Ter (NM_001368921.2, NM_001368922.2, NM_001368923.2 and 4 more transcripts); and 2 more; short protein forms Q119*, Q188*, Q202*, Q255*, Q269*, Q270*, Q280*, Q294*.
Identifiers: ClinVar variation 4074342 (VCV004074342.1).
Genomic context (GRCh38, chr11:31,794,034, plus strand): 5'-TCTAGGAAAGACAAATGGTATGAATCACAAAGTGTGAAACTGCACAGTCTCTCGGTACCT[G>A]TATTCTTGCTTCAGGTAGATCTATTTTGGCTGCTAGTCTTTCTCGGGCAAACACATCTGG-3'